The following is an entry in ClinVar:

NM_000059.4(BRCA2):c.5180dup (p.Asn1727fs)

Gene: BRCA2 (BRCA2 DNA repair associated; plus strand). Cytogenetic location: 13q13.1.
Variant type: Duplication.
Coding change: c.5180dup on transcript NM_000059.4 (MANE Select); coding-DNA position 5180, one base duplicated (A; older notation c.5180dupA).
Protein change: p.Asn1727fs; shifts the reading frame from asparagine 1727.
Molecular consequence: frameshift variant.
Genome position (GRCh38, 1-based): chr13:32,339,535, A duplicated; the last of 4 consecutive A bases (chr13:32,339,532-32,339,535); duplicating any one gives the same sequence. VCF-style (leftmost placement, unchanged base first): chr13-32339531-G-GA. GRCh37 (hg19) VCF-style: chr13-32913668-G-GA.
Other names: 5408_5409insA; c.5180dupA (NM_000059.4, NM_000059.3); short protein forms N1727fs.
Identifiers: ClinVar variation 51807 (VCV000051807.14), dbSNP rs80359491, ClinGen allele CA021610.
Genomic context (GRCh38, chr13:32,339,531, plus strand): 5'-AATACTGCAGATTATGTAGGAAATTATTTGTATGAAAATAATTCAAACAGTACTATAGCT[G>GA]AAAATGACAAAAATCATCTCTCCGAAAAACAAGATACTTATTTAAGTAACAGTAGCATGT-3'

ClinVar aggregate classification (germline): Pathogenic. Review status: reviewed by expert panel (3 of 4 stars). 5 submissions from 5 submitters: Pathogenic (1). 4 of the submissions do not count toward it. Last evaluated 2016-10-18.

Conditions:
Hereditary breast ovarian cancer syndrome. Also called: Hereditary breast and ovarian cancer syndrome; Hereditary breast and ovarian cancer; Hereditary breast and ovarian cancer syndrome (HBOC); Breast and ovarian cancer; Hereditary breast and/or ovarian cancer syndrome; BRCA1- and BRCA2-Associated Hereditary Breast and Ovarian Cancer. Identifiers: Orphanet 145, MedGen C0677776, MeSH D061325, MONDO:0003582. Disease mechanism: loss of function.
Breast-ovarian cancer, familial, susceptibility to, 2 (BROVCA2). Also called: BRCA2 Hereditary Breast and Ovarian Cancer. Identifiers: Orphanet 145, MedGen C2675520, MONDO:0012933, OMIM 612555. Disease mechanism: loss of function.

Submissions (5):

Evidence-based Network for the Interpretation of Germline Mutant Alleles (ENIGMA)
Classification: Pathogenic for Breast-ovarian cancer, familial, susceptibility to, 2. Last evaluated: 2016-10-18. Review status: reviewed by expert panel. Criteria: ENIGMA BRCA1/2 Classification Criteria (2015). Collection method: curation. Allele origin: germline.
Comment: Variant allele predicted to encode a truncated non-functional protein.

Center for Genomic Medicine, Rigshospitalet, Copenhagen University Hospital
Classification: Pathogenic. Last evaluated: 2025-03-04. Review status: criteria provided, single submitter. Criteria: ACMG Guidelines, 2015. Collection method: clinical testing. Allele origin: germline. Not counted in ClinVar's aggregate classification.

Labcorp Genetics (formerly Invitae), Labcorp
Classification: Pathogenic for Hereditary breast ovarian cancer syndrome. Last evaluated: 2024-10-23. Review status: criteria provided, single submitter. Criteria: Invitae Variant Classification Sherloc (09022015). Collection method: clinical testing. Allele origin: germline. Not counted in ClinVar's aggregate classification.
Comment: This sequence change creates a premature translational stop signal (p.Asn1727Lysfs*2) in the BRCA2 gene. It is expected to result in an absent or disrupted protein product. Loss-of-function variants in BRCA2 are known to be pathogenic (PMID: 20104584). This variant is not present in population databases (gnomAD no frequency). This premature translational stop signal has been observed in individual(s) with clinical features of hereditary breast and ovarian cancer (PMID: 27882536). ClinVar contains an entry for this variant (Variation ID: 51807). For these reasons, this variant has been classified as Pathogenic.

Department of Clinical Genetics, Copenhagen University Hospital, Rigshospitalet
Classification: Pathogenic for Breast-ovarian cancer, familial, susceptibility to, 2. Last evaluated: 2024-05-27. Review status: criteria provided, single submitter. Criteria: ACMG Guidelines, 2015. Collection method: clinical testing. Allele origin: germline. Affected: yes. Not counted in ClinVar's aggregate classification.
Comment: PVS1; PM2_supporting; PM5_PTC_Strong

Consortium of Investigators of Modifiers of BRCA1/2 (CIMBA), c/o University of Cambridge
Classification: Pathogenic for Breast-ovarian cancer, familial, susceptibility to, 2. Last evaluated: 2015-10-02. Review status: criteria provided, single submitter. Criteria: CIMBA Mutation Classification guidelines May 2016. Collection method: clinical testing. Allele origin: germline. Not counted in ClinVar's aggregate classification.

Literature cited by the submitters: PubMed 20104584 (cited by Labcorp Genetics (formerly Invitae), Labcorp); PubMed 27882536 (cited by Labcorp Genetics (formerly Invitae), Labcorp).